The following is an entry in ClinVar:

NM_000038.6(APC):c.730-2658A>G

Gene: APC (APC regulator of WNT signaling pathway; plus strand). Cytogenetic location: 5q22.2.
Variant type: single nucleotide variant.
Coding change: c.730-2658A>G on transcript NM_000038.6 (MANE Select); 2658 bases into the intron before coding-DNA position 730, A replaced by G.
Molecular consequence: intron variant.
Genome position (GRCh38, 1-based): chr5:112,798,621, A>G. VCF-style: chr5-112798621-A-G. GRCh37 (hg19) VCF-style: chr5-112134318-A-G.
Other names: c.730-2658A>G (NM_001354895.2, NM_001127510.3, NM_001354896.2 and 1 more transcripts); c.760-2658A>G (NM_001354897.2, NM_001354902.2); c.676-2658A>G (NM_001127511.3); c.655-2658A>G (NM_001354898.2, NM_001354904.2); c.-306-2658A>G (NM_001354906.2); c.646-2658A>G (NM_001354899.2); c.553-2658A>G (NM_001354900.2, NM_001354901.2, NM_001354905.2).
Identifiers: ClinVar variation 83023 (VCV000083023.2), dbSNP rs78370989, ClinGen allele CA013514.

ClinVar aggregate classification (germline): other (0 of 4 stars; one submission).

Conditions:
Familial colorectal cancer. Identifiers: MedGen CN280943, MONDO:0023113. Disease mechanism: loss of function.

Allele frequency attached by ClinVar (database versions not stated): gnomAD 0.00001; TOPMed 0.00001.
gnomAD v4.1: 1 of 152,218 alleles (0.00066%); highest among the groups gnomAD compares: Non-Finnish European, 0.0015%; no homozygotes.

Submission:

Systems Biology Platform Zhejiang California International NanoSystems Institute
Classification: other for Familial colorectal cancer. Review status: no assertion criteria provided. Collection method: not provided. Allele origin: unknown.
ClinVar note: Converted during submission from cancer to other.